The following is an entry in ClinVar:

NM_031229.4(RBCK1):c.704A>G (p.Glu235Gly)

Gene: RBCK1 (RANBP2-type and C3HC4-type zinc finger containing 1; plus strand). Cytogenetic location: 20p13.
Variant type: single nucleotide variant.
Coding change: c.704A>G on transcript NM_031229.4 (MANE Select); coding-DNA position 704, A replaced by G.
Protein change: p.Glu235Gly; replaces glutamic acid 235 with glycine.
Molecular consequence: missense variant. On other transcripts: non-coding transcript variant (1).
Genome position (GRCh38, 1-based): chr20:419,679, A>G. VCF-style: chr20-419679-A-G. GRCh37 (hg19) VCF-style: chr20-400323-A-G.
Other names: c.355A>G, p.Arg119Gly (NM_001323956.2, NM_001323958.2); c.578A>G, p.Glu193Gly (NM_006462.6); short protein forms E235G, R119G, E193G.
Identifiers: ClinVar variation 1516272 (VCV001516272.5), dbSNP rs2122246121, ClinGen allele CA407925638.

ClinVar aggregate classification (germline): Uncertain significance (1 of 4 stars; one submission).

Conditions:
Polyglucosan body myopathy type 1 (PGBM1). Also called: Polyglucosan body myopathy 1 with or without immunodeficiency; POLYGLUCOSAN BODY MYOPATHY WITHOUT IMMUNODEFICIENCY. Identifiers: Orphanet 329173, Orphanet 397937, MedGen C4014605, MONDO:0014389, OMIM 615895.

Submission:

Labcorp Genetics (formerly Invitae), Labcorp
Classification: Uncertain significance for Polyglucosan body myopathy type 1. Last evaluated: 2022-08-23. Review status: criteria provided, single submitter. Criteria: Invitae Variant Classification Sherloc (09022015). Collection method: clinical testing. Allele origin: germline.
Comment: In summary, the available evidence is currently insufficient to determine the role of this variant in disease. Therefore, it has been classified as a Variant of Uncertain Significance. Algorithms developed to predict the effect of missense changes on protein structure and function output the following: SIFT: "Not Available"; PolyPhen-2: "Benign"; Align-GVGD: "Not Available". The glycine amino acid residue is found in multiple mammalian species, which suggests that this missense change does not adversely affect protein function. ClinVar contains an entry for this variant (Variation ID: 1516272). This variant has not been reported in the literature in individuals affected with RBCK1-related conditions. This variant is not present in population databases (gnomAD no frequency). This sequence change replaces glutamic acid, which is acidic and polar, with glycine, which is neutral and non-polar, at codon 235 of the RBCK1 protein (p.Glu235Gly).